The following is an entry in ClinVar:

ClinVar aggregate classification (germline): Likely benign. Review status: criteria provided, multiple submitters, no conflicts (2 of 4 stars). 2 submissions from 2 submitters: Likely benign (2). Last evaluated 2026-08-01.

Allele frequency attached by ClinVar (database versions not stated): 1000 Genomes Project 30x 0.00078; gnomAD exomes 0.00142 and 0.00836; gnomAD 0.00148 and 0.00152; 1000 Genomes Project 0.00759; ExAC 0.01221; TOPMed 0.01403; ESP Exome Variant Server 0.01668.
gnomAD v4.1: 2,235 of 1,557,264 alleles (0.14%); highest among the groups gnomAD compares: South Asian, 0.36%; 49 homozygotes.

Submissions (2):

CeGaT Center for Human Genetics Tuebingen
Classification: Likely benign. Last evaluated: 2026-08-01. Review status: criteria provided, single submitter. Criteria: CeGaT Center For Human Genetics Tuebingen Variant Classification Criteria Version 2. Collection method: clinical testing. Allele origin: germline. Affected: yes. Observed: 73 variant alleles.
Comment: TUBGCP2: BP4, BP7, BS2

Breakthrough Genomics
Classification: Likely benign. Review status: criteria provided, single submitter. Criteria: ACMG Guidelines, 2015. Collection method: not provided. Allele origin: germline. Inheritance: Autosomal recessive inheritance. Affected: yes.

NM_006659.4(TUBGCP2):c.1203C>T (p.His401=)

Gene: TUBGCP2 (tubulin gamma complex component 2; minus strand). Cytogenetic location: 10q26.3.
Variant type: single nucleotide variant.
Coding change: c.1203C>T on transcript NM_006659.4 (MANE Select); coding-DNA position 1203, C replaced by T.
Protein change: p.His401=; no amino-acid change (histidine 401 retained).
Molecular consequence: synonymous variant. On other transcripts: non-coding transcript variant (1).
Genome position (GRCh38, 1-based): chr10:133,292,510, G>A on the plus strand (C>T on the coding strand, the complement: TUBGCP2 is on the minus strand). VCF-style: chr10-133292510-G-A. GRCh37 (hg19) VCF-style: chr10-135106014-G-A.
Other names: c.1287C>T, p.His429= (NM_001256617.2); c.813C>T, p.His271= (NM_001256618.2).
Identifiers: ClinVar variation 1335053 (VCV001335053.36), dbSNP rs76511868, ClinGen allele CA5764220.